The following is an entry in ClinVar:

NM_006073.4(TRDN):c.1625-3C>A

Gene: TRDN (triadin; minus strand). Cytogenetic location: 6q22.31.
Variant type: single nucleotide variant.
Coding change: c.1625-3C>A on transcript NM_006073.4 (MANE Select); 3 bases into the intron before coding-DNA position 1625, C replaced by A.
Molecular consequence: intron variant.
Genome position (GRCh38, 1-based): chr6:123,273,014, G>T on the plus strand (C>A on the coding strand, the complement: TRDN is on the minus strand). VCF-style: chr6-123273014-G-T. GRCh37 (hg19) VCF-style: chr6-123594159-G-T.
Identifiers: ClinVar variation 2155445 (VCV002155445.1), dbSNP rs867653227, ClinGen allele CA818308975.

ClinVar aggregate classification (germline): Uncertain significance (1 of 4 stars; one submission).

Conditions:
Catecholaminergic polymorphic ventricular tachycardia 1. Also called: VENTRICULAR TACHYCARDIA, CATECHOLAMINERGIC POLYMORPHIC, 1, WITH OR WITHOUT ATRIAL DYSFUNCTION AND/OR DILATED CARDIOMYOPATHY; RYR2-Related Catecholaminergic Polymorphic Ventricular Tachycardia; VENTRICULAR TACHYCARDIA, STRESS-INDUCED POLYMORPHIC 1. Identifiers: Orphanet 3286, MedGen C1631597, MONDO:0011484, OMIM 604772.

Allele frequency attached by ClinVar (database versions not stated): gnomAD exomes below 0.00001; gnomAD 0.00001; TOPMed 0.00001.

Submission:

Labcorp Genetics (formerly Invitae), Labcorp
Classification: Uncertain significance for Catecholaminergic polymorphic ventricular tachycardia 1. Last evaluated: 2022-03-13. Review status: criteria provided, single submitter. Criteria: Invitae Variant Classification Sherloc (09022015). Collection method: clinical testing. Allele origin: germline.
Comment: This sequence change falls in intron 28 of the TRDN gene. It does not directly change the encoded amino acid sequence of the TRDN protein. It affects a nucleotide within the consensus splice site. This variant is not present in population databases (gnomAD no frequency). This variant has not been reported in the literature in individuals affected with TRDN-related conditions. Variants that disrupt the consensus splice site are a relatively common cause of aberrant splicing (PMID: 17576681, 9536098). Algorithms developed to predict the effect of sequence changes on RNA splicing suggest that this variant may disrupt the consensus splice site. In summary, the available evidence is currently insufficient to determine the role of this variant in disease. Therefore, it has been classified as a Variant of Uncertain Significance.

Literature cited by the submitters: PubMed 17576681; PubMed 9536098.